The following is an entry in ClinVar:

ClinVar aggregate classification (germline): Uncertain significance (1 of 4 stars; one submission).

Conditions:
Familial isolated arrhythmogenic right ventricular dysplasia. Identifiers: Orphanet 217656, MedGen C4274968, MONDO:0016342.

gnomAD v4.1: 2 of 1,613,516 alleles (0.00012%); highest among the groups gnomAD compares: Non-Finnish European, 0.00017%; no homozygotes.

Submission:

All of Us Research Program, National Institutes of Health
Classification: Uncertain significance for Familial isolated arrhythmogenic right ventricular dysplasia. Last evaluated: 2024-05-14. Review status: criteria provided, single submitter. Criteria: ACMG Guidelines, 2015. Collection method: clinical testing. Allele origin: germline. Inheritance: Autosomal dominant inheritance. Observed: 1 variant allele, 1 heterozygote.
Comment: This missense variant replaces proline with arginine at codon 422 of the DSC2 protein. Computational prediction suggests that this variant may not impact protein structure and function (internally defined REVEL score threshold <= 0.5, PMID: 27666373). To our knowledge, functional studies have not been reported for this variant. This variant has not been reported in individuals affected with DSC2-related disorders in the literature. This variant has not been identified in the general population by the Genome Aggregation Database (gnomAD). The available evidence is insufficient to determine the role of this variant in disease conclusively. Therefore, this variant is classified as a Variant of Uncertain Significance.

This study involves interpretation of variants in research participants for the purpose of population health screening. Participant phenotype was not available at the time of variant classification. Additional details can be found in publication PMID: 35346344, PMCID: PMC8962531

NM_024422.6(DSC2):c.1265C>G (p.Pro422Arg)

Gene: DSC2 (desmocollin 2; minus strand). Cytogenetic location: 18q12.1.
Variant type: single nucleotide variant.
Coding change: c.1265C>G on transcript NM_024422.6 (MANE Select); coding-DNA position 1265, C replaced by G.
Protein change: p.Pro422Arg; replaces proline 422 with arginine.
Molecular consequence: missense variant.
Genome position (GRCh38, 1-based): chr18:31,080,351, G>C on the plus strand (C>G on the coding strand, the complement: DSC2 is on the minus strand). VCF-style: chr18-31080351-G-C. GRCh37 (hg19) VCF-style: chr18-28660317-G-C.
Other names: c.836C>G, p.Pro279Arg (NM_001406506.1, NM_001406507.1); c.1265C>G, p.Pro422Arg (NM_004949.5); short protein forms P279R, P422R.
Identifiers: ClinVar variation 3386531 (VCV003386531.1).